The following is an entry in ClinVar:

ClinVar aggregate classification (germline): Pathogenic (0 of 4 stars; one submission).

Conditions:
Breast-ovarian cancer, familial, susceptibility to, 1 (BROVCA1). Also called: BRCA1 Hereditary Breast and Ovarian Cancer; OVARIAN CANCER, SUSCEPTIBILITY TO. Identifiers: Orphanet 145, MedGen C2676676, MONDO:0011450, OMIM 604370. Disease mechanism: loss of function.

Submission:

Donald Williams Parsons Laboratory, Baylor College of Medicine
Classification: Pathogenic for Breast-ovarian cancer, familial, susceptibility to, 1. Last evaluated: 2014-03-20. Review status: no assertion criteria provided. Collection method: research. Allele origin: paternal. Inheritance: Autosomal dominant inheritance. Affected: yes. Observed: 1 variant allele, 1 heterozygote. Study: CSER-BASIC3.

Literature cited by the submitters: PubMed 10644434; PubMed 22006311; PubMed 26822237.

NM_007294.4(BRCA1):c.697_699del (p.Val233del)

Gene: BRCA1 (BRCA1 DNA repair associated; minus strand). Cytogenetic location: 17q21.31.
Variant type: Deletion.
Coding change: c.697_699del on transcript NM_007294.4 (MANE Select); coding-DNA positions 697 to 699, 3 bases deleted (GTA; older notation c.697_699delGTA).
Protein change: p.Val233del; deletes valine 233.
Molecular consequence: inframe deletion. On other transcripts: inframe indel (350), non-coding transcript variant (1).
Genome position (GRCh38, 1-based): chr17:43,094,832-43,094,834, TAC deleted on the plus strand (GTA on the coding strand, the reverse complement: BRCA1 is on the minus strand). VCF-style (leftmost placement, unchanged base first): chr17-43094831-TTAC-T. GRCh37 (hg19) VCF-style: chr17-41246848-TTAC-T.
Other names: c.484_486delGTA, p.Val162del (NM_001407571.1, NM_001407853.1, NM_001407894.1 and 12 more transcripts); c.697_699delGTA, p.Val233del (NM_001407581.1, NM_001407582.1, NM_001407583.1 and 52 more transcripts); c.694_696delGTA, p.Val232del (NM_001407587.1, NM_001407590.1, NM_001407591.1 and 38 more transcripts); c.688_690delGTA, p.Val230del (NM_001407646.1, NM_001407647.1, NM_001408408.1); c.574_576delGTA, p.Val192del (NM_001407648.1, NM_001407664.1, NM_001407665.1 and 34 more transcripts); c.571_573delGTA, p.Val191del (NM_001407649.1, NM_001407670.1, NM_001407671.1 and 20 more transcripts); c.619_621delGTA, p.Val207del (NM_001407653.1, NM_001407654.1, NM_001407655.1 and 9 more transcripts); c.616_618delGTA, p.Val206del (NM_001407659.1, NM_001407660.1, NM_001407661.1 and 3 more transcripts); and 16 more; short protein forms V233del, V186del, V105del, V106del, V188del, V191del, V163del, V192del.
Identifiers: ClinVar variation 438753 (VCV000438753.4), dbSNP rs1555593294, ClinGen allele CA645509521.